The following is an entry in ClinVar:

NM_017866.6(TMEM70):c.534T>C (p.Thr178=)

Gene: TMEM70 (transmembrane protein 70; plus strand). Cytogenetic location: 8q21.11.
Variant type: single nucleotide variant.
Coding change: c.534T>C on transcript NM_017866.6 (MANE Select); coding-DNA position 534, T replaced by C.
Protein change: p.Thr178=; no amino-acid change (threonine 178 retained).
Molecular consequence: synonymous variant. On other transcripts: 3 prime UTR variant (1), non-coding transcript variant (1).
Genome position (GRCh38, 1-based): chr8:73,981,372, T>C. VCF-style: chr8-73981372-T-C. GRCh37 (hg19) VCF-style: chr8-74893607-T-C.
Other names: c.*224T>C (NM_001040613.3).
Identifiers: ClinVar variation 363691 (VCV000363691.18), dbSNP rs139864454, ClinGen allele CA4784068.
Genomic context (GRCh38, chr8:73,981,372, plus strand): 5'-GCTTCACTTTATTACAAAAGGCTATGTCATTCGATTGTACCATGAGGCCACAACAGACAC[T>C]TATAAAGCCATTACCTACAATGCTATGCTTGCAGAAACGAGTACAGTGTTTCACCAGAAT-3'
Protein context (NP_060336.3, residues 168-188): IRLYHEATTD[Thr178=]YKAITYNAML

ClinVar aggregate classification (germline): Conflicting classifications of pathogenicity. Review status: criteria provided, conflicting classifications (1 of 4 stars). 5 submissions from 5 submitters: Uncertain significance (1); Benign (2); Likely benign (2). Last evaluated 2026-03-18.

Conditions:
TMEM70-related disorder. Also called: TMEM70-related condition.
Mitochondrial complex V (ATP synthase) deficiency, nuclear type 2. Also called: ENCEPHALOCARDIOMYOPATHY, MITOCHONDRIAL, NEONATAL, DUE TO ATP SYNTHASE DEFICIENCY; Nuclear-Encoded ATPase Deficiency, TMEM70-Related; MITOCHONDRIAL COMPLEX V (ATP SYNTHASE) DEFICIENCY, TMEM70 TYPE. Identifiers: Orphanet 1194, MedGen C3279699, MONDO:0013546, OMIM 614052.

Allele frequency attached by ClinVar (database versions not stated): TOPMed 0.00004; ESP Exome Variant Server 0.00015; gnomAD exomes 0.00064 and 0.00159; 1000 Genomes Project 30x 0.00078; 1000 Genomes Project 0.00100; ExAC 0.00128; gnomAD 0.00132 and 0.00136.
gnomAD v4.1: 1,125 of 1,614,216 alleles (0.07%); highest among the groups gnomAD compares: South Asian, 0.069%; 8 homozygotes.

Submissions (5):

PreventionGenetics, part of Exact Sciences
Classification: Benign for TMEM70-related condition. Last evaluated: 2026-03-18. Review status: criteria provided, single submitter. Criteria: ACMG Guidelines, 2015. Collection method: clinical testing. Allele origin: germline.
Comment: This variant is classified as benign based on ACMG/AMP sequence variant interpretation guidelines (Richards et al. 2015 PMID: 25741868, with internal and published modifications).

Labcorp Genetics (formerly Invitae), Labcorp
Classification: Benign for Mitochondrial complex V (ATP synthase) deficiency, nuclear type 2. Last evaluated: 2026-02-03. Review status: criteria provided, single submitter. Criteria: Invitae Variant Classification Sherloc (09022015). Collection method: clinical testing. Allele origin: germline.

Blueprint Genetics
Classification: Likely benign. Last evaluated: 2024-11-21. Review status: criteria provided, single submitter. Criteria: ACMG Guidelines, 2015. Collection method: clinical testing. Allele origin: germline.

GeneDx
Classification: Likely benign. Last evaluated: 2019-09-16. Review status: criteria provided, single submitter. Criteria: GeneDx Variant Classification Process June 2021. Collection method: clinical testing. Allele origin: germline. Affected: yes.

Illumina Laboratory Services, Illumina
Classification: Uncertain significance for Mitochondrial complex V (ATP synthase) deficiency, nuclear type 2. Last evaluated: 2018-01-12. Review status: criteria provided, single submitter. Criteria: ICSL Variant Classification Criteria 13 December 2019. Collection method: clinical testing. Allele origin: germline.